The following is an entry in ClinVar:

ClinVar aggregate classification (germline): Uncertain significance. Review status: criteria provided, multiple submitters, no conflicts (2 of 4 stars). 2 submissions from 2 submitters: Uncertain significance (2). Last evaluated 2022-09-18.

Allele frequency attached by ClinVar (database versions not stated): gnomAD exomes below 0.00001 and 0.00001; TOPMed below 0.00001; ExAC 0.00001; gnomAD 0.00001.
gnomAD v4.1: 6 of 1,612,714 alleles (0.00037%); highest among the groups gnomAD compares: Admixed American, 0.0017%; no homozygotes.

Submissions (2):

Labcorp Genetics (formerly Invitae), Labcorp
Classification: Uncertain significance. Last evaluated: 2022-09-18. Review status: criteria provided, single submitter. Criteria: Invitae Variant Classification Sherloc (09022015). Collection method: clinical testing. Allele origin: germline.
Comment: ClinVar contains an entry for this variant (Variation ID: 1329063). Advanced modeling of protein sequence and biophysical properties (such as structural, functional, and spatial information, amino acid conservation, physicochemical variation, residue mobility, and thermodynamic stability) performed at Invitae indicates that this missense variant is not expected to disrupt ABRAXAS1 protein function. In summary, the available evidence is currently insufficient to determine the role of this variant in disease. Therefore, it has been classified as a Variant of Uncertain Significance. This variant has not been reported in the literature in individuals affected with ABRAXAS1-related conditions. This sequence change replaces arginine, which is basic and polar, with histidine, which is basic and polar, at codon 104 of the ABRAXAS1 protein (p.Arg104His). This variant is present in population databases (rs542570943, gnomAD 0.005%).

Women's Health and Genetics/Laboratory Corporation of America, LabCorp
Classification: Uncertain significance. Last evaluated: 2021-11-23. Review status: criteria provided, single submitter. Criteria: LabCorp Variant Classification Summary - May 2015. Collection method: clinical testing. Allele origin: germline.

NM_139076.3(ABRAXAS1):c.311G>A (p.Arg104His)

Gene: ABRAXAS1 (abraxas 1, BRCA1 A complex subunit; minus strand). Cytogenetic location: 4q21.23.
Variant type: single nucleotide variant.
Coding change: c.311G>A on transcript NM_139076.3 (MANE Select); coding-DNA position 311, G replaced by A.
Protein change: p.Arg104His; replaces arginine 104 with histidine.
Molecular consequence: missense variant. On other transcripts: 5 prime UTR variant (1).
Genome position (GRCh38, 1-based): chr4:83,470,368, C>T on the plus strand (G>A on the coding strand, the complement: ABRAXAS1 is on the minus strand). VCF-style: chr4-83470368-C-T. GRCh37 (hg19) VCF-style: chr4-84391521-C-T.
Other names: c.-17G>A (NM_001345962.2); short protein forms R104H.
Identifiers: ClinVar variation 1329063 (VCV001329063.7), dbSNP rs542570943, ClinGen allele CA2990575.
Genomic context (GRCh38, chr4:83,470,368, plus strand): 5'-TGCTCCTGCAAGTTTTTGTGAAGCAGCCTCTCTCTAAACGTCATGATCTGATCTGAATGA[C>T]GACGGAATTTGTACCAACCTACCACATTCTGAAATACAGAATAAAAAGGATATACATCTT-3'
Protein context (NP_620775.2, residues 94-114): KNVVGWYKFR[Arg104His]HSDQIMTFRE